The following is an entry in ClinVar:

NM_000089.4(COL1A2):c.3279_3287dup (p.1091PPG[5])

Gene: COL1A2 (collagen type I alpha 2 chain; plus strand). Cytogenetic location: 7q21.3.
Variant type: Duplication.
Coding change: c.3279_3287dup on transcript NM_000089.4 (MANE Select); coding-DNA positions 3279 to 3287, 9 bases duplicated (TCCCCCTGG; older notation c.3279_3287dupTCCCCCTGG).
Protein change: p.1091PPG[5].
Molecular consequence: inframe insertion.
Genome position (GRCh38, 1-based): chr7:94,427,638-94,427,646, TCCCCCTGG duplicated; duplicating any 9 consecutive bases within chr7:94,427,630-94,427,646 gives the same sequence; the c. name uses the placement nearest the transcript's 3' end. VCF-style (leftmost placement, unchanged base first): chr7-94427629-C-CCCCCCTGGT. GRCh37 (hg19) VCF-style: chr7-94056941-C-CCCCCCTGGT.
Identifiers: ClinVar variation 1002228 (VCV001002228.10), dbSNP rs74315103, ClinGen allele CA1726785473.
Genomic context (GRCh38, chr7:94,427,629, plus strand): 5'-GATGTCTCTCACTGTAACAAAATATAAAGCCTCTCCTATCTCACTTTCACCTTTGCAGGG[C>CCCCCCTGGT]CCCCCTGGTCCCCCTGGCCCTCCTGGACCTCCAGGTGTAAGCGGTGGTGGTTATGACTTT-3'

ClinVar aggregate classification (germline): Uncertain significance (1 of 4 stars; one submission).

Conditions:
Osteogenesis imperfecta type I (OI1). Also called: OI, TYPE I; OSTEOGENESIS IMPERFECTA TARDA; OSTEOGENESIS IMPERFECTA WITH BLUE SCLERAE; Osteogenesis imperfecta type 1; Classic Non-deforming Osteogenesis Imperfecta with Blue Sclerae; Lobstein's Disease. Identifiers: Orphanet 216796, Orphanet 666, MedGen C0023931, MONDO:0008146, OMIM 166200. Disease mechanism: loss of function.
Ehlers-Danlos syndrome, classic type, 1 (EDSCL1). Also called: EHLERS-DANLOS SYNDROME, GRAVIS TYPE; EHLERS-DANLOS SYNDROME, SEVERE CLASSIC TYPE; EDS I; Ehlers-Danlos Syndrome, Classic Type, COL5A1-Related; Ehlers-Danlos syndrome, type 1. Identifiers: MedGen C0268335, MONDO:0019567, OMIM 130000.

Submission:

Labcorp Genetics (formerly Invitae), Labcorp
Classification: Uncertain significance for Osteogenesis imperfecta type I; Ehlers-Danlos syndrome, classic type, 1. Last evaluated: 2022-03-18. Review status: criteria provided, single submitter. Criteria: Invitae Variant Classification Sherloc (09022015). Collection method: clinical testing. Allele origin: germline.
Comment: In summary, the available evidence is currently insufficient to determine the role of this variant in disease. Therefore, it has been classified as a Variant of Uncertain Significance. This variant, c.3279_3287dup, results in the insertion of 3 amino acid(s) of the COL1A2 protein (p.Pro1100_Gly1102dup), but otherwise preserves the integrity of the reading frame. This variant is not present in population databases (gnomAD no frequency). This variant has not been reported in the literature in individuals affected with COL1A2-related conditions. ClinVar contains an entry for this variant (Variation ID: 1002228). Experimental studies and prediction algorithms are not available or were not evaluated, and the functional significance of this variant is currently unknown.